The following is an entry in ClinVar:

ClinVar aggregate classification (germline): Benign/Likely benign. Review status: criteria provided, multiple submitters, no conflicts (2 of 4 stars). 3 submissions from 3 submitters: Benign (1); Likely benign (2). Last evaluated 2026-06-17.

Conditions:
Polyps, multiple and recurrent inflammatory fibroid, gastrointestinal. Identifiers: MedGen C5193005, MONDO:0008285, OMIM 175510.
Hereditary cancer-predisposing syndrome. Also called: Hereditary neoplastic syndrome; Neoplastic Syndromes, Hereditary; Hereditary Cancer Syndrome; Tumor predisposition. Identifiers: Orphanet 140162, MedGen C0027672, MeSH D009386, MONDO:0015356.
Gastrointestinal stromal tumor. Also called: Gastrointestinal stromal tumor, somatic; Gastrointestinal stroma tumor. Identifiers: Orphanet 44890, MedGen C0238198, MeSH D046152, MONDO:0011719, OMIM 606764, HP:0100723.

Allele frequency attached by ClinVar (database versions not stated): gnomAD exomes below 0.00001.
gnomAD v4.1: 2 of 1,614,080 alleles (0.00012%); highest among the groups gnomAD compares: Non-Finnish European, 0.00017%; no homozygotes.

Submissions (3):

Myriad Genetics, Inc.
Classification: Benign for Polyps, multiple and recurrent inflammatory fibroid, gastrointestinal. Last evaluated: 2026-06-17. Review status: criteria provided, single submitter. Criteria: Myriad Autosomal Dominant, Autosomal Recessive and X-Linked Classification Criteria (2023). Collection method: clinical testing. Allele origin: unknown.
Comment: This variant is considered benign. This variant is a silent/synonymous amino acid change and it is not expected to impact splicing.

Labcorp Genetics (formerly Invitae), Labcorp
Classification: Likely benign for Gastrointestinal stromal tumor. Last evaluated: 2025-05-07. Review status: criteria provided, single submitter. Criteria: Invitae Variant Classification Sherloc (09022015). Collection method: clinical testing. Allele origin: germline.

Ambry Genetics
Classification: Likely benign for Hereditary cancer-predisposing syndrome. Last evaluated: 2025-02-09. Review status: criteria provided, single submitter. Criteria: Ambry Variant Classification Scheme 2023. Collection method: clinical testing. Allele origin: germline.

NM_006206.6(PDGFRA):c.1836C>T (p.Ala612=)

Gene: PDGFRA (platelet derived growth factor receptor alpha; plus strand). Cytogenetic location: 4q12.
Variant type: single nucleotide variant.
Coding change: c.1836C>T on transcript NM_006206.6 (MANE Select); coding-DNA position 1836, C replaced by T.
Protein change: p.Ala612=; no amino-acid change (alanine 612 retained).
Molecular consequence: synonymous variant.
Genome position (GRCh38, 1-based): chr4:54,277,437, C>T. VCF-style: chr4-54277437-C-T. GRCh37 (hg19) VCF-style: chr4-55143604-C-T.
Other names: c.1836C>T, p.Ala612= (NM_001347827.2, NM_001347829.2); c.1911C>T, p.Ala637= (NM_001347828.2); c.1875C>T, p.Ala625= (NM_001347830.2).
Identifiers: ClinVar variation 528668 (VCV000528668.13), dbSNP rs1553904819, ClinGen allele CA439287280.